The following is an entry in ClinVar:

NM_182914.3(SYNE2):c.3853G>T (p.Val1285Leu)

Gene: SYNE2 (spectrin repeat containing nuclear envelope protein 2; plus strand). Cytogenetic location: 14q23.2.
Variant type: single nucleotide variant.
Coding change: c.3853G>T on transcript NM_182914.3 (MANE Select); coding-DNA position 3853, G replaced by T.
Protein change: p.Val1285Leu; replaces valine 1285 with leucine.
Molecular consequence: missense variant.
Genome position (GRCh38, 1-based): chr14:64,002,786, G>T. VCF-style: chr14-64002786-G-T. GRCh37 (hg19) VCF-style: chr14-64469504-G-T.
Other names: c.3853G>T (NM_182914.2); c.3853G>T, p.Val1285Leu (NM_015180.6); short protein forms V1285L.
Identifiers: ClinVar variation 1930480 (VCV001930480.6), dbSNP rs773830239, ClinGen allele CA389996531.

ClinVar aggregate classification (germline): Uncertain significance. Review status: criteria provided, multiple submitters, no conflicts (2 of 4 stars). 2 submissions from 2 submitters: Uncertain significance (2). Last evaluated 2024-03-21.

Conditions:
Emery-Dreifuss muscular dystrophy 5, autosomal dominant (EDMD5). Also called: EMERY-DREIFUSS MUSCULAR DYSTROPHY 5. Identifiers: Orphanet 261, MedGen C2751805, MONDO:0013072, OMIM 612999.

Submissions (2):

Revvity Omics, Revvity
Classification: Uncertain significance for Emery-Dreifuss muscular dystrophy 5, autosomal dominant. Last evaluated: 2024-03-21. Review status: criteria provided, single submitter. Criteria: ACMG Guidelines, 2015. Collection method: clinical testing. Allele origin: germline.

Labcorp Genetics (formerly Invitae), Labcorp
Classification: Uncertain significance for Emery-Dreifuss muscular dystrophy 5, autosomal dominant. Last evaluated: 2022-08-19. Review status: criteria provided, single submitter. Criteria: Invitae Variant Classification Sherloc (09022015). Collection method: clinical testing. Allele origin: germline.
Comment: This sequence change replaces valine, which is neutral and non-polar, with leucine, which is neutral and non-polar, at codon 1285 of the SYNE2 protein (p.Val1285Leu). This variant is not present in population databases (gnomAD no frequency). This variant has not been reported in the literature in individuals affected with SYNE2-related conditions. Algorithms developed to predict the effect of missense changes on protein structure and function (SIFT, PolyPhen-2, Align-GVGD) all suggest that this variant is likely to be tolerated. In summary, the available evidence is currently insufficient to determine the role of this variant in disease. Therefore, it has been classified as a Variant of Uncertain Significance.